The following is an entry in ClinVar:

ClinVar aggregate classification (germline): Uncertain significance (1 of 4 stars; one submission).

Allele frequency attached by ClinVar (database versions not stated): TOPMed 0.00002; 1000 Genomes Project 30x 0.00031.

Submission:

Labcorp Genetics (formerly Invitae), Labcorp
Classification: Uncertain significance. Last evaluated: 2023-11-27. Review status: criteria provided, single submitter. Criteria: Invitae Variant Classification Sherloc (09022015). Collection method: clinical testing. Allele origin: germline.
Comment: This sequence change replaces arginine, which is basic and polar, with tryptophan, which is neutral and slightly polar, at codon 349 of the GGCX protein (p.Arg349Trp). This variant is present in population databases (rs776023843, gnomAD 0.008%). This variant has not been reported in the literature in individuals affected with GGCX-related conditions. An algorithm developed to predict the effect of missense changes on protein structure and function (PolyPhen-2) suggests that this variant¬¨‚Ä†is likely to be tolerated. In summary, the available evidence is currently insufficient to determine the role of this variant in disease. Therefore, it has been classified as a Variant of Uncertain Significance.

NM_000821.7(GGCX):c.1045C>T (p.Arg349Trp)

Gene: GGCX (gamma-glutamyl carboxylase; minus strand). Cytogenetic location: 2p11.2.
Variant type: single nucleotide variant.
Coding change: c.1045C>T on transcript NM_000821.7 (MANE Select); coding-DNA position 1045, C replaced by T.
Protein change: p.Arg349Trp; replaces arginine 349 with tryptophan.
Molecular consequence: missense variant.
Genome position (GRCh38, 1-based): chr2:85,553,342, G>A on the plus strand (C>T on the coding strand, the complement: GGCX is on the minus strand). VCF-style: chr2-85553342-G-A. GRCh37 (hg19) VCF-style: chr2-85780465-G-A.
Other names: c.874C>T, p.Arg292Trp (NM_001142269.4); short protein forms R292W, R349W.
Identifiers: ClinVar variation 3020091 (VCV003020091.2), dbSNP rs776023843, ClinGen allele CA1741945.
Genomic context (GRCh38, chr2:85,553,342, plus strand): 5'-GCAGGGTGAAGGCAGCTCCCAGCTGATGGCGCAGCCCTGGCTTCTGGCCACTTTTGCCCC[G>A]GCTCCTCTTATACACACAGGAAACACTGGGCTGAGGGGCTGCCTTGAGGGGCAACAGTTG-3'
Protein context (NP_000812.2, residues 339-359): PSVSCVYKRS[Arg349Trp]GKSGQKPGLR